The following is an entry in ClinVar:

ClinVar aggregate classification (germline): Benign. Review status: criteria provided, multiple submitters, no conflicts (2 of 4 stars). 3 submissions from 3 submitters: Benign (2). 1 of the submissions does not count toward it. Last evaluated 2019-12-31.

Conditions:
ZNF526-related disorder. Also called: ZNF526-related condition.

Submissions (3):

Labcorp Genetics (formerly Invitae), Labcorp
Classification: Benign. Last evaluated: 2019-12-31. Review status: criteria provided, single submitter. Criteria: Invitae Variant Classification Sherloc (09022015). Collection method: clinical testing. Allele origin: germline.

Genetic Services Laboratory, University of Chicago
Classification: Benign. Last evaluated: 2013-08-16. Review status: criteria provided, single submitter. Criteria: ACMG Guidelines, 2007. Collection method: clinical testing. Allele origin: germline.

PreventionGenetics, part of Exact Sciences
Classification: Benign for ZNF526-related condition. Last evaluated: 2020-02-07. Review status: no assertion criteria provided. Collection method: clinical testing. Allele origin: germline. Not counted in ClinVar's aggregate classification.
Comment: This variant is classified as benign based on ACMG/AMP sequence variant interpretation guidelines (Richards et al. 2015 PMID: 25741868, with internal and published modifications).

NM_133444.3(ZNF526):c.752AGG[1] (p.Glu252del)

Gene: ZNF526 (zinc finger protein 526; plus strand). Cytogenetic location: 19q13.2.
Variant type: Microsatellite.
Coding change: c.752AGG[1] on transcript NM_133444.3 (MANE Select); one copy of the 3-base unit AGG starting at c.752; the reference has two copies in a row; one copy, 3 bases deleted.
Protein change: p.Glu252del; deletes glutamic acid 252.
Molecular consequence: inframe deletion.
Genome position (GRCh38, 1-based): chr19:42,225,158-42,225,160, AGG deleted; deleting any 3 consecutive bases within chr19:42,225,154-42,225,160 gives the same sequence; the position shown is the placement nearest the transcript's 3' end. VCF-style (leftmost placement, unchanged base first): chr19-42225153-TGAG-T. GRCh37 (hg19) VCF-style: chr19-42729305-TGAG-T.
Other names: c.752AGG[1], p.Glu252del (NM_001314033.3); c.755_757delAGG (NM_133444.2); short protein forms E252del.
Identifiers: ClinVar variation 212686 (VCV000212686.12), dbSNP rs367731450, ClinGen allele CA206611.